The following is an entry in ClinVar:

ClinVar aggregate classification (germline): Uncertain significance (1 of 4 stars; one submission).

Submission:

Labcorp Genetics (formerly Invitae), Labcorp
Classification: Uncertain significance. Last evaluated: 2022-07-05. Review status: criteria provided, single submitter. Criteria: Invitae Variant Classification Sherloc (09022015). Collection method: clinical testing. Allele origin: germline.
Comment: In summary, the available evidence is currently insufficient to determine the role of this variant in disease. Therefore, it has been classified as a Variant of Uncertain Significance. Experimental studies and prediction algorithms are not available or were not evaluated, and the functional significance of this variant is currently unknown. ClinVar contains an entry for this variant (Variation ID: 1475144). This variant has not been reported in the literature in individuals affected with COL18A1-related conditions. The frequency data for this variant in the population databases is considered unreliable, as metrics indicate poor data quality at this position in the gnomAD database. This sequence change replaces proline, which is neutral and non-polar, with leucine, which is neutral and non-polar, at codon 213 of the COL18A1 protein (p.Pro213Leu). The COL18A1 gene has multiple clinically relevant transcripts. This variant occurs in alternate transcript NM_030582.4, and corresponds to NM_130445.2:c.107-12074_107-12073delinsTG in the primary transcript.

NM_001379500.1(COL18A1):c.638_639delinsTG (p.Pro213Leu)

Gene: COL18A1 (collagen type XVIII alpha 1 chain; plus strand). Cytogenetic location: 21q22.3.
Variant type: Indel.
Coding change: c.638_639delinsTG on transcript NM_001379500.1 (MANE Select); coding-DNA positions 638 to 639, CT replaced by TG.
Protein change: p.Pro213Leu; replaces proline 213 with leucine.
Molecular consequence: missense variant.
Genome position (GRCh38, 1-based): chr21:45,468,773-45,468,774, CT replaced by TG. VCF-style: chr21-45468773-CT-TG. GRCh37 (hg19) VCF-style: chr21-46888687-CT-TG.
Other names: c.1178_1179delinsTG, p.Pro393Leu (NM_030582.4); c.1883_1884delinsTG, p.Pro628Leu (NM_130444.3); short protein forms P628L, P213L, P393L.
Identifiers: ClinVar variation 4775726 (VCV004775726.1).